The following is an entry in ClinVar:

NM_000390.4(CHM):c.698C>G (p.Ser233Ter)

Gene: CHM (CHM Rab escort protein; minus strand). Cytogenetic location: Xq21.2.
Variant type: single nucleotide variant.
Coding change: c.698C>G on transcript NM_000390.4 (MANE Select); coding-DNA position 698, C replaced by G.
Protein change: p.Ser233Ter; replaces serine 233 with a stop codon.
Molecular consequence: nonsense.
Genome position (GRCh38, 1-based): chrX:85,963,669, G>C on the plus strand (C>G on the coding strand, the complement: CHM is on the minus strand). VCF-style: chrX-85963669-G-C. GRCh37 (hg19) VCF-style: chrX-85218674-G-C.
Other names: c.254C>G, p.Ser85Ter (NM_001320959.1, NM_001362517.1, NM_001362518.2 and 1 more transcripts); short protein forms S233*, S85*.
Identifiers: ClinVar variation 2419213 (VCV002419213.5), dbSNP rs2520271810, ClinGen allele CA413786241.

ClinVar aggregate classification (germline): Pathogenic. Review status: criteria provided, multiple submitters, no conflicts (2 of 4 stars). 2 submissions from 2 submitters: Pathogenic (2). Last evaluated 2026-09-23.

Conditions:
Retinal disorder. Also called: Retinopathy; Retinopathies; Retinal Diseases; Retinal disorders. Identifiers: MedGen C0035309, MONDO:0005283, HP:0000488.

Submissions (2):

Genetics Laboratory, Great Ormond Street Hospital NHS Foundation Trust, North Thames Genomic Laboratory Hub
Classification: Pathogenic for Retinal disorders. Last evaluated: 2026-09-23. Review status: criteria provided, single submitter. Criteria: ACGS Best Practice Guidelines for Variant Classification in Rare Disease 2024 v1.2. Collection method: clinical testing. Allele origin: germline. Affected: yes.
Comment: PM2_moderate, PVS1_very-strong

Labcorp Genetics (formerly Invitae), Labcorp
Classification: Pathogenic. Last evaluated: 2025-08-03. Review status: criteria provided, single submitter. Criteria: Invitae Variant Classification Sherloc (09022015). Collection method: clinical testing. Allele origin: germline.
Comment: This sequence change creates a premature translational stop signal (p.Ser233*) in the CHM gene. It is expected to result in an absent or disrupted protein product. Loss-of-function variants in CHM are known to be pathogenic (PMID: 9067750, 23811034). This variant is not present in population databases (gnomAD no frequency). This premature translational stop signal has been observed in individual(s) with choroideremia (PMID: 30689859). ClinVar contains an entry for this variant (Variation ID: 2419213). For these reasons, this variant has been classified as Pathogenic.

Literature cited by the submitters: PubMed 9067750 (cited by Labcorp Genetics (formerly Invitae), Labcorp); PubMed 23811034 (cited by Labcorp Genetics (formerly Invitae), Labcorp); PubMed 30689859 (cited by Labcorp Genetics (formerly Invitae), Labcorp).